The following is an entry in ClinVar:

NM_032043.3(BRIP1):c.1954G>A (p.Gly652Arg)

Gene: BRIP1 (BRCA1 interacting DNA helicase 1; minus strand). Cytogenetic location: 17q23.2.
Variant type: single nucleotide variant.
Coding change: c.1954G>A on transcript NM_032043.3 (MANE Select); coding-DNA position 1954, G replaced by A.
Protein change: p.Gly652Arg; replaces glycine 652 with arginine.
Molecular consequence: missense variant.
Genome position (GRCh38, 1-based): chr17:61,776,544, C>T on the plus strand (G>A on the coding strand, the complement: BRIP1 is on the minus strand). VCF-style: chr17-61776544-C-T. GRCh37 (hg19) VCF-style: chr17-59853905-C-T.
Other names: short protein forms G652R.
Identifiers: ClinVar variation 491424 (VCV000491424.5), dbSNP rs1555601190, ClinGen allele CA400478588.
Genomic context (GRCh38, chr17:61,776,544, plus strand): 5'-ACTCAAATGTTTCAGTATTCTGGAAGGTAGCACAGAGATTCCGACCCTTGGGGCCTGACC[C>T]AATGGTACCAACCCAAACCTAGAATATGAATATGTCATTATTAGAGTTATGCCTGAAAAA-3'
Protein context (NP_114432.2, residues 642-662): KNSQVWVGTI[Gly652Arg]SGPKGRNLCA

ClinVar aggregate classification (germline): Uncertain significance. Review status: criteria provided, multiple submitters, no conflicts (2 of 4 stars). 2 submissions from 2 submitters: Uncertain significance (2). Last evaluated 2025-08-05.

Conditions:
Hereditary cancer-predisposing syndrome. Also called: Hereditary neoplastic syndrome; Tumor predisposition; Hereditary Cancer Syndrome; Neoplastic Syndromes, Hereditary. Identifiers: Orphanet 140162, MedGen C0027672, MeSH D009386, MONDO:0015356.

Allele frequency attached by ClinVar (database versions not stated): gnomAD exomes below 0.00001.
gnomAD v4.1: 1 of 1,613,974 alleles (0.000062%); highest among the groups gnomAD compares: Non-Finnish European, 0.000085%; no homozygotes.

Submissions (2):

Ambry Genetics
Classification: Uncertain significance for Hereditary cancer-predisposing syndrome. Last evaluated: 2025-08-05. Review status: criteria provided, single submitter. Criteria: Ambry Variant Classification Scheme 2023. Collection method: clinical testing. Allele origin: germline.
Comment: The p.G652R variant (also known as c.1954G>A), located in coding exon 13 of the BRIP1 gene, results from a G to A substitution at nucleotide position 1954. The glycine at codon 652 is replaced by arginine, an amino acid with dissimilar properties. This amino acid position is highly conserved in available vertebrate species. In addition, this alteration is predicted to be deleterious by in silico analysis. Based on the available evidence, the clinical significance of this variant remains unclear.

Color Diagnostics, LLC DBA Color Health
Classification: Uncertain significance for Hereditary cancer-predisposing syndrome. Last evaluated: 2019-04-04. Review status: criteria provided, single submitter. Criteria: ACMG Guidelines, 2015. Collection method: clinical testing. Allele origin: germline.